The following is an entry in ClinVar:

ClinVar aggregate classification (germline): Uncertain significance (1 of 4 stars; one submission).

gnomAD v4.1: 38 of 758,630 alleles (0.005%); highest among the groups gnomAD compares: African/African-American, 0.0079%; no homozygotes.

Submission:

Labcorp Genetics (formerly Invitae), Labcorp
Classification: Uncertain significance. Last evaluated: 2025-09-08. Review status: criteria provided, single submitter. Criteria: Invitae Variant Classification Sherloc (09022015). Collection method: clinical testing. Allele origin: germline.
Comment: This sequence change replaces leucine, which is neutral and non-polar, with proline, which is neutral and non-polar, at codon 12 of the LRP5 protein (p.Leu12Pro). The frequency data for this variant in the population databases is considered unreliable, as metrics indicate poor data quality at this position in the gnomAD database. This variant has not been reported in the literature in individuals affected with LRP5-related conditions. ClinVar contains an entry for this variant (Variation ID: 1966646). Invitae Evidence Modeling of protein sequence and biophysical properties (such as structural, functional, and spatial information, amino acid conservation, physicochemical variation, residue mobility, and thermodynamic stability) indicates that this missense variant is not expected to disrupt LRP5 protein function with a negative predictive value of 95%. In summary, the available evidence is currently insufficient to determine the role of this variant in disease. Therefore, it has been classified as a Variant of Uncertain Significance.

NM_002335.4(LRP5):c.35T>C (p.Leu12Pro)

Gene: LRP5 (LDL receptor related protein 5; plus strand). Cytogenetic location: 11q13.2.
Variant type: single nucleotide variant.
Coding change: c.35T>C on transcript NM_002335.4 (MANE Select); coding-DNA position 35, T replaced by C.
Protein change: p.Leu12Pro; replaces leucine 12 with proline.
Molecular consequence: missense variant. On other transcripts: 5 prime UTR variant (1).
Genome position (GRCh38, 1-based): chr11:68,312,749, T>C. VCF-style: chr11-68312749-T-C. GRCh37 (hg19) VCF-style: chr11-68080217-T-C.
Other names: c.-1731T>C (NM_001291902.2); short protein forms L12P.
Identifiers: ClinVar variation 1966646 (VCV001966646.5), dbSNP rs1019409513, ClinGen allele CA224251992.